The following is an entry in ClinVar:

ClinVar aggregate classification (germline): Likely pathogenic. Review status: criteria provided, multiple submitters, no conflicts (2 of 4 stars). 2 submissions from 2 submitters: Likely pathogenic (2). Last evaluated 2018-07-13.

Conditions:
21-Hydroxylase-Deficient Congenital Adrenal Hyperplasia. Also called: ADRENAL HYPERPLASIA, CONGENITAL, DUE TO 21-HYDROXYLASE DEFICIENCY; ADRENAL HYPERPLASIA III. Identifiers: MedGen C2936858, OMIM 201910.

Allele frequency attached by ClinVar (database versions not stated): gnomAD exomes below 0.00001 and 0.00001.
gnomAD v4.1: 1 of 1,589,372 alleles (0.000063%); highest among the groups gnomAD compares: Non-Finnish European, 0.000086%; no homozygotes.

Submissions (2):

Clinical Genetics and Genomics, Karolinska University Hospital
Classification: Likely pathogenic. Last evaluated: 2018-07-13. Review status: criteria provided, single submitter. Criteria: ACMG Guidelines, 2015. Collection method: clinical testing. Allele origin: germline. Affected: yes. Observed: 3 variant alleles.

Juno Genomics, Hangzhou Juno Genomics, Inc
Classification: Likely pathogenic for 21-Hydroxylase-Deficient Congenital Adrenal Hyperplasia. Review status: criteria provided, single submitter. Criteria: ACMG Guidelines, 2015. Collection method: clinical testing. Allele origin: germline. Affected: yes.
Comment: Absent from controls (or at extremely low frequency if recessive) in Genome Aggregation Database, Exome Sequencing Project, 1000 Genomes Project, or Exome Aggregation Consortium.;For recessive disorders, detected in trans with a pathogenic variant.;Well-established in vitro or in vivo functional studies supportive of a damaging effect on the gene or gene product.;Multiple lines of computational evidence support a deleterious effect on the gene or gene product (conservation, evolutionary, splicing impact, etc).

NM_000500.9(CYP21A2):c.169G>A (p.Gly57Arg)

Genes: CYP21A2 (cytochrome P450 family 21 subfamily A member 2; plus strand), LOC106780800 (CYP21A2 recombination region; plus strand). Cytogenetic location: 6p21.33.
Variant type: single nucleotide variant.
Coding change: c.169G>A on transcript NM_000500.9 (MANE Select); coding-DNA position 169, G replaced by A.
Protein change: p.Gly57Arg; replaces glycine 57 with arginine.
Molecular consequence: missense variant. On other transcripts: 5 prime UTR variant (2).
Genome position (GRCh38, 1-based): chr6:32,038,591, G>A. VCF-style: chr6-32038591-G-A. GRCh37 (hg19) VCF-style: chr6-32006368-G-A.
Other names: c.169G>A (NM_000500.7); c.169G>A, p.Gly57Arg (NM_001128590.4); c.-256G>A (NM_001368143.2); c.-166G>A (NM_001368144.2); short protein forms G57R.
Identifiers: ClinVar variation 988420 (VCV000988420.3), dbSNP rs1413433421, ClinGen allele CA363499372.
Genomic context (GRCh38, chr6:32,038,591, plus strand): 5'-TTCTTGCACCTGCTGCAGCCCGACCTCCCCATCTATCTGCTTGGCCTGACTCAGAAATTC[G>A]GGCCCATCTACAGGCTCCACCTTGGGCTGCAAGGTGAGAGGCTGATCTCGCTCTGGCCCT-3'
Protein context (NP_000491.4, residues 47-67): IYLLGLTQKF[Gly57Arg]PIYRLHLGLQ